The following is an entry in ClinVar:

NM_000061.3(BTK):c.286G>T (p.Glu96Ter)

Gene: BTK (Bruton tyrosine kinase; minus strand). Cytogenetic location: Xq22.1.
Variant type: single nucleotide variant.
Coding change: c.286G>T on transcript NM_000061.3 (MANE Select); coding-DNA position 286, G replaced by T.
Protein change: p.Glu96Ter; replaces glutamic acid 96 with a stop codon.
Molecular consequence: nonsense.
Genome position (GRCh38, 1-based): chrX:101,371,656, C>A on the plus strand (G>T on the coding strand, the complement: BTK is on the minus strand). VCF-style: chrX-101371656-C-A. GRCh37 (hg19) VCF-style: chrX-100626644-C-A.
Other names: c.388G>T, p.Glu130Ter (NM_001287344.2); c.286G>T, p.Glu96Ter (NM_001287345.2); short protein forms E130*, E96*.
Identifiers: ClinVar variation 2850005 (VCV002850005.3), dbSNP rs2520668139, ClinGen allele CA413938079.
Genomic context (GRCh38, chrX:101,371,656, plus strand): 5'-GGGGCCTTTCGAGATTTGGTGAGAGAAAATAACTCACCTGGAAGGGATAAGGGAACCTTT[C>A]AATGATTGAAATTTGCTCCATTTCACTGGACTCTTCACCTCTTCTCTGTAATGAAATAAG-3'

ClinVar aggregate classification (germline): Pathogenic (1 of 4 stars; one submission).

Conditions:
X-linked agammaglobulinemia with growth hormone deficiency (IGHD3). Also called: AGAMMAGLOBULINEMIA AND ISOLATED GROWTH HORMONE DEFICIENCY, X-LINKED; ISOLATED GROWTH HORMONE DEFICIENCY, TYPE III, WITH AGAMMAGLOBULINEMIA; FLEISHER SYNDROME; HYPOGAMMAGLOBULINEMIA AND ISOLATED GROWTH HORMONE DEFICIENCY, X-LINKED; IGHD III; Isolated growth hormone deficiency type 3. Identifiers: Orphanet 231692, Orphanet 631, MedGen C0472813, MONDO:0010615, OMIM 307200.

Submission:

Labcorp Genetics (formerly Invitae), Labcorp
Classification: Pathogenic for X-linked agammaglobulinemia with growth hormone deficiency. Last evaluated: 2023-03-27. Review status: criteria provided, single submitter. Criteria: Invitae Variant Classification Sherloc (09022015). Collection method: clinical testing. Allele origin: germline.
Comment: This variant is not present in population databases (gnomAD no frequency). For these reasons, this variant has been classified as Pathogenic. This variant has not been reported in the literature in individuals affected with BTK-related conditions. This sequence change creates a premature translational stop signal (p.Glu96*) in the BTK gene. It is expected to result in an absent or disrupted protein product. Loss-of-function variants in BTK are known to be pathogenic (PMID: 15661032, 16862044, 19419768).

Literature cited by the submitters: PubMed 15661032; PubMed 16862044; PubMed 19419768.